The following is an entry in ClinVar:

ClinVar aggregate classification (germline): Likely benign. Review status: criteria provided, multiple submitters, no conflicts (2 of 4 stars). 2 submissions from 2 submitters: Likely benign (2). Last evaluated 2026-03-01.

Conditions:
Anophthalmia/microphthalmia-esophageal atresia syndrome (MCOPS3). Also called: AEG SYNDROME; MICROPHTHALMIA AND ESOPHAGEAL ATRESIA SYNDROME; SOX2 Disorder. Identifiers: Orphanet 77298, MedGen C1859773, MONDO:0008799, OMIM 206900.

Allele frequency attached by ClinVar (database versions not stated): gnomAD 0.00001; gnomAD exomes 0.00001; TOPMed 0.00001.

Submissions (2):

CeGaT Center for Human Genetics Tuebingen
Classification: Likely benign. Last evaluated: 2026-03-01. Review status: criteria provided, single submitter. Criteria: CeGaT Center For Human Genetics Tuebingen Variant Classification Criteria Version 2. Collection method: clinical testing. Allele origin: germline. Affected: yes. Observed: 1 variant allele.
Comment: SOX2: BS2

Labcorp Genetics (formerly Invitae), Labcorp
Classification: Likely benign for Anophthalmia/microphthalmia-esophageal atresia syndrome. Last evaluated: 2025-07-12. Review status: criteria provided, single submitter. Criteria: Invitae Variant Classification Sherloc (09022015). Collection method: clinical testing. Allele origin: germline.

NM_003106.4(SOX2):c.487A>G (p.Met163Val)

Genes: SOX2 (SRY-box transcription factor 2; plus strand), SOX2-OT (SOX2 overlapping transcript; plus strand), LOC108281177 (SOX2 5' regulatory region; plus strand). Cytogenetic location: 3q26.33.
Variant type: single nucleotide variant.
Coding change: c.487A>G on transcript NM_003106.4 (MANE Select); coding-DNA position 487, A replaced by G.
Protein change: p.Met163Val; replaces methionine 163 with valine.
Molecular consequence: missense variant.
Genome position (GRCh38, 1-based): chr3:181,712,847, A>G. VCF-style: chr3-181712847-A-G. GRCh37 (hg19) VCF-style: chr3-181430635-A-G.
Other names: short protein forms M163V.
Identifiers: ClinVar variation 2416318 (VCV002416318.11), dbSNP rs1393438018, ClinGen allele CA355473977.